The following is an entry in ClinVar:

NM_020433.5(JPH2):c.648G>A (p.Lys216=)

Gene: JPH2 (junctophilin 2; minus strand). Cytogenetic location: 20q13.12.
Variant type: single nucleotide variant.
Coding change: c.648G>A on transcript NM_020433.5 (MANE Select); coding-DNA position 648, G replaced by A.
Protein change: p.Lys216=; no amino-acid change (lysine 216 retained).
Molecular consequence: synonymous variant.
Genome position (GRCh38, 1-based): chr20:44,160,139, C>T on the plus strand (G>A on the coding strand, the complement: JPH2 is on the minus strand). VCF-style: chr20-44160139-C-T. GRCh37 (hg19) VCF-style: chr20-42788779-C-T.
Other names: p.Lys216=.
Identifiers: ClinVar variation 264069 (VCV000264069.26), dbSNP rs796219248, ClinGen allele CA10587928.
Genomic context (GRCh38, chr20:44,160,139, plus strand): 5'-GCGCGACTCTGCGCGCCGCAGCTTGCCCAGCAGCGCGCCCCGCTGGAAGAGGCCGCCGCC[C>T]TTGGGCGCCCGCGCGGCCGCCTCGGCATTGGCCAGGAGGCTGAGCGCGAAGCCGCCACGC-3'
Protein context (NP_065166.2, residues 206-226): ANAEAAARAP[Lys216=]GGGLFQRGAL

ClinVar aggregate classification (germline): Benign/Likely benign. Review status: criteria provided, multiple submitters, no conflicts (2 of 4 stars). 14 submissions from 14 submitters: Benign (1); Likely benign (10). 3 of the submissions do not count toward it. Last evaluated 2026-01-14.

Conditions:
JPH2-related disorder. Also called: JPH2-related condition.
Cardiovascular phenotype. Identifiers: MedGen CN230736.
Hypertrophic cardiomyopathy 17. Identifiers: MedGen C3151264, MONDO:0013474, OMIM 613873.
Hypertrophic cardiomyopathy. Also called: HYPERTROPHIC MYOCARDIOPATHY. Identifiers: Orphanet 217569, MedGen C0007194, MeSH D002312, MONDO:0005045, HP:0001639.

Allele frequency attached by ClinVar (database versions not stated): gnomAD exomes 0.00017 and 0.00035; TOPMed 0.00023; gnomAD 0.00027 and 0.00029.
gnomAD v4.1: 491 of 1,450,168 alleles (0.034%); highest among the groups gnomAD compares: Non-Finnish European, 0.042%; no homozygotes.

Submissions (14):

Labcorp Genetics (formerly Invitae), Labcorp
Classification: Likely benign for Hypertrophic cardiomyopathy. Last evaluated: 2026-01-14. Review status: criteria provided, single submitter. Criteria: Invitae Variant Classification Sherloc (09022015). Collection method: clinical testing. Allele origin: germline.

Mayo Clinic Laboratories, Mayo Clinic
Classification: Likely benign. Last evaluated: 2025-10-15. Review status: criteria provided, single submitter. Criteria: ACMG Guidelines, 2015. Collection method: clinical testing. Allele origin: germline. Observed: 1 variant allele.
Comment: BS1, BP4, BP7

PreventionGenetics, part of Exact Sciences
Classification: Likely benign for JPH2-related condition. Last evaluated: 2025-10-15. Review status: criteria provided, single submitter. Criteria: ACMG Guidelines, 2015. Collection method: clinical testing. Allele origin: germline.
Comment: This variant is classified as likely benign based on ACMG/AMP sequence variant interpretation guidelines (Richards et al. 2015 PMID: 25741868, with internal and published modifications).

Molecular Diagnostic Laboratory for Inherited Cardiovascular Disease, Montreal Heart Institute
Classification: Likely benign. Last evaluated: 2025-04-09. Review status: criteria provided, single submitter. Criteria: ACMG Guidelines, 2015. Collection method: clinical testing. Allele origin: germline. Affected: no.

Blueprint Genetics
Classification: Likely benign. Last evaluated: 2024-07-18. Review status: criteria provided, single submitter. Criteria: ACMG Guidelines, 2015. Collection method: clinical testing. Allele origin: germline.

ARUP Laboratories, Molecular Genetics and Genomics, ARUP Laboratories
Classification: Likely benign. Last evaluated: 2023-10-10. Review status: criteria provided, single submitter. Criteria: ARUP Molecular Germline Variant Investigation Process 2024. Collection method: clinical testing. Allele origin: germline.

Genome Diagnostics Laboratory, University Medical Center Utrecht
Classification: Likely benign for Hypertrophic cardiomyopathy 17. Last evaluated: 2017-11-09. Review status: criteria provided, single submitter. Criteria: ACGS Guidelines, 2013. Collection method: clinical testing. Allele origin: germline. Affected: yes. Study: VKGL Data-share Consensus.

GeneDx
Classification: Benign. Last evaluated: 2015-09-25. Review status: criteria provided, single submitter. Criteria: GeneDx Variant Classification Process June 2021. Collection method: clinical testing. Allele origin: germline. Affected: yes.

Clinical Genetics DNA and cytogenetics Diagnostics Lab, Erasmus MC, Erasmus Medical Center
Classification: Likely benign for Hypertrophic cardiomyopathy 17. Last evaluated: 2015-09-21. Review status: criteria provided, single submitter. Criteria: ACGS Guidelines, 2013. Collection method: clinical testing. Allele origin: germline. Affected: yes. Study: VKGL Data-share Consensus.

Ambry Genetics
Classification: Likely benign for Cardiovascular phenotype. Last evaluated: 2015-05-20. Review status: criteria provided, single submitter. Criteria: Ambry Variant Classification Scheme 2023. Collection method: clinical testing. Allele origin: germline.

Breakthrough Genomics
Classification: Likely benign. Review status: criteria provided, single submitter. Criteria: ACMG Guidelines, 2015. Collection method: not provided. Allele origin: germline. Inheritance: Autosomal recessive inheritance. Affected: yes.

Clinical Genetics, Academic Medical Center
Classification: Benign. Review status: no assertion criteria provided. Collection method: clinical testing. Allele origin: germline. Affected: yes. Study: VKGL Data-share Consensus. Not counted in ClinVar's aggregate classification.

Diagnostic Laboratory, Department of Genetics, University Medical Center Groningen
Classification: Likely benign for Hypertrophic cardiomyopathy 17. Review status: no assertion criteria provided. Collection method: clinical testing. Allele origin: germline. Affected: yes. Study: VKGL Data-share Consensus. Not counted in ClinVar's aggregate classification.

Joint Genome Diagnostic Labs from Nijmegen and Maastricht, Radboudumc and MUMC+
Classification: Likely benign. Review status: no assertion criteria provided. Collection method: clinical testing. Allele origin: germline. Affected: yes. Study: VKGL Data-share Consensus. Not counted in ClinVar's aggregate classification.